The following is an entry in ClinVar:

NM_005343.4(HRAS):c.361G>A (p.Ala121Thr)

Genes: LRRC56 (leucine rich repeat containing 56; plus strand), HRAS (HRas proto-oncogene, GTPase; minus strand). Cytogenetic location: 11p15.5.
Variant type: single nucleotide variant.
Coding change: c.361G>A on transcript NM_005343.4 (MANE Select); coding-DNA position 361, G replaced by A.
Protein change: p.Ala121Thr; replaces alanine 121 with threonine.
Molecular consequence: missense variant. On other transcripts: nonsense (1).
Genome position (GRCh38, 1-based): chr11:533,542, C>T on the plus strand (G>A on the coding strand, the complement: HRAS is on the minus strand). VCF-style: chr11-533542-C-T. GRCh37 (hg19) VCF-style: chr11-533542-C-T.
Other names: c.361G>A, p.Ala121Thr (NM_001130442.3, NM_176795.5); c.42G>A, p.Trp14Ter (NM_001318054.2); c.361G>A (NM_001130442.2); short protein forms W14*, A121T.
Identifiers: ClinVar variation 1035777 (VCV001035777.10), dbSNP rs1851245429, ClinGen allele CA378923349.

ClinVar aggregate classification (germline): Conflicting classifications of pathogenicity. Review status: criteria provided, conflicting classifications (1 of 4 stars). 2 submissions from 2 submitters: Uncertain significance (1); Benign (1). Last evaluated 2022-01-01.

Conditions:
Costello syndrome (CSTLO). Also called: HRAS-Related Costello Syndrome; FACIOCUTANEOSKELETAL SYNDROME; FCS SYNDROME. Identifiers: Orphanet 3071, MedGen C0587248, MONDO:0009026, OMIM 218040.
Ovarian cancer. Also called: OVARIAN CANCER, SOMATIC. Identifiers: Orphanet 213500, MedGen C1140680, MONDO:0008170, OMIM 167000.

Submissions (2):

Laboratory of Molecular Epidemiology of Birth Defects, West China Second University Hospital, Sichuan University
Classification: Benign for Ovarian cancer. Last evaluated: 2022-01-01. Review status: criteria provided, single submitter. Criteria: ACMG Guidelines, 2015. Collection method: clinical testing. Allele origin: germline. Affected: yes.

Labcorp Genetics (formerly Invitae), Labcorp
Classification: Uncertain significance for Costello syndrome. Last evaluated: 2020-03-17. Review status: criteria provided, single submitter. Criteria: Invitae Variant Classification Sherloc (09022015). Collection method: clinical testing. Allele origin: germline.
Comment: In summary, the available evidence is currently insufficient to determine the role of this variant in disease. Therefore, it has been classified as a Variant of Uncertain Significance. Algorithms developed to predict the effect of missense changes on protein structure and function (SIFT, PolyPhen-2, Align-GVGD) all suggest that this variant is likely to be tolerated, but these predictions have not been confirmed by published functional studies and their clinical significance is uncertain. This variant has not been reported in the literature in individuals with HRAS-related conditions. This variant is not present in population databases (ExAC no frequency). This sequence change replaces alanine with threonine at codon 121 of the HRAS protein (p.Ala121Thr). The alanine residue is weakly conserved and there is a small physicochemical difference between alanine and threonine.